The following is an entry in ClinVar:

ClinVar aggregate classification (germline): Uncertain significance. Review status: criteria provided, multiple submitters, no conflicts (2 of 4 stars). 4 submissions from 4 submitters: Uncertain significance (4). Last evaluated 2025-07-09.

Conditions:
Cardiac arrhythmia. Also called: Arrhythmia; Cardiac rhythm disease. Identifiers: MedGen C0003811, MONDO:0007263, HP:0011675.
Long QT syndrome (LQTS). Identifiers: MedGen C0023976, MeSH D008133, MONDO:0002442. Disease mechanism: loss of function. Inheritance: Various modes of inheritance.

Allele frequency attached by ClinVar (database versions not stated): ExAC 0.00001; gnomAD exomes 0.00001.
gnomAD v4.1: 11 of 1,613,786 alleles (0.00068%); highest among the groups gnomAD compares: East Asian, 0.0022%; no homozygotes.

Submissions (4):

Color Diagnostics, LLC DBA Color Health
Classification: Uncertain significance for Cardiac arrhythmia. Last evaluated: 2025-07-09. Review status: criteria provided, single submitter. Criteria: ACMG Guidelines, 2015. Collection method: clinical testing. Allele origin: germline.
Comment: This missense variant replaces isoleucine with valine at codon 268 of the KCNQ1 protein. Computational prediction is inconclusive regarding the impact of this variant on protein structure and function. To our knowledge, functional studies have not been reported for this variant. This variant has not been reported in individuals affected with KCNQ1-related disorders in the literature. This variant has been identified in 2/250550 chromosomes in the general population by the Genome Aggregation Database (gnomAD). The available evidence is insufficient to determine the role of this variant in disease conclusively. Therefore, this variant is classified as a Variant of Uncertain Significance.

All of Us Research Program, National Institutes of Health
Classification: Uncertain significance for Long QT syndrome. Last evaluated: 2023-05-16. Review status: criteria provided, single submitter. Criteria: ACMG Guidelines, 2015. Collection method: clinical testing. Allele origin: germline. Inheritance: Autosomal dominant inheritance. Observed: 1 variant allele, 1 heterozygote.
Comment: This missense variant replaces isoleucine with valine at codon 268 of the KCNQ1 protein. Computational prediction tool is inconclusive regarding the impact of this variant on protein structure and function (internally defined REVEL score threshold 0.5 < inconclusive < 0.7, PMID: 27666373). Splice site prediction tools suggest that this variant may not impact RNA splicing. To our knowledge, functional studies have not been performed for this variant. This variant has not been reported in individuals affected with cardiovascular disorders in the literature. This variant has been identified in 2/250550 chromosomes in the general population by the Genome Aggregation Database (gnomAD). The available evidence is insufficient to determine the role of this variant in disease conclusively. Therefore, this variant is classified as a Variant of Uncertain Significance.

This study involves interpretation of variants in research participants for the purpose of population health screening. Participant phenotype was not available at the time of variant classification. Additional details can be found in publication PMID: 35346344, PMCID: PMC8962531

Labcorp Genetics (formerly Invitae), Labcorp
Classification: Uncertain significance for Long QT syndrome. Last evaluated: 2022-05-03. Review status: criteria provided, single submitter. Criteria: Invitae Variant Classification Sherloc (09022015). Collection method: clinical testing. Allele origin: germline.
Comment: This sequence change replaces isoleucine, which is neutral and non-polar, with valine, which is neutral and non-polar, at codon 268 of the KCNQ1 protein (p.Ile268Val). This variant is present in population databases (rs757421492, gnomAD 0.006%). This variant has not been reported in the literature in individuals affected with KCNQ1-related conditions. ClinVar contains an entry for this variant (Variation ID: 378922). Algorithms developed to predict the effect of missense changes on protein structure and function (SIFT, PolyPhen-2, Align-GVGD) all suggest that this variant is likely to be disruptive. In summary, the available evidence is currently insufficient to determine the role of this variant in disease. Therefore, it has been classified as a Variant of Uncertain Significance.

GeneDx
Classification: Uncertain significance. Last evaluated: 2016-12-22. Review status: criteria provided, single submitter. Criteria: GeneDx Variant Classification (06012015). Collection method: clinical testing. Allele origin: germline. Affected: yes.
Comment: A variant of uncertain significance has been identified in the KCNQ1 gene. The I268V variant has not been published as a pathogenic variant, nor has it been reported as a benign variant to our knowledge. The I268V variant was not observed in approximately 6500 individuals of European and African American ancestry in the NHLBI Exome Sequencing Project, indicating it is not a common benign variant in these populations. Multiple missense variants in nearby residues (L266P, G269S, G269D, G272D) have been reported in the Human Gene Mutation Database in association with LQTS (Stenson et al., 2014) and classified by GeneDx as pathogenic. Nevertheless, the I268V variant is a conservative amino acid substitution, which is not likely to impact secondary protein structure as these residues share similar properties. Furthermore, this substitution occurs at a position where amino acids with similar properties to isoleucine are tolerated across species, and V268 is wild-type in at least two other species. In silico analysis is inconsistent in its predictions as to whether or not the variant is damaging to the protein structure/function.

NM_000218.3(KCNQ1):c.802A>G (p.Ile268Val)

Gene: KCNQ1 (potassium voltage-gated channel subfamily Q member 1; plus strand). Cytogenetic location: 11p15.5.
Variant type: single nucleotide variant.
Coding change: c.802A>G on transcript NM_000218.3 (MANE Select); coding-DNA position 802, A replaced by G.
Protein change: p.Ile268Val; replaces isoleucine 268 with valine.
Molecular consequence: missense variant.
Genome position (GRCh38, 1-based): chr11:2,572,867, A>G. VCF-style: chr11-2572867-A-G. GRCh37 (hg19) VCF-style: chr11-2594097-A-G.
Other names: c.802A>G, p.Ile268Val (NM_001406836.1); c.532A>G, p.Ile178Val (NM_001406837.1); c.421A>G, p.Ile141Val (NM_181798.2); short protein forms I141V, I268V, I178V.
Identifiers: ClinVar variation 378922 (VCV000378922.16), dbSNP rs757421492, ClinGen allele CA040733.